The following is an entry in ClinVar:

NM_002386.3(MC1R):c.-1251C>T

Gene: MC1R (melanocortin 1 receptor; plus strand). Cytogenetic location: 16q24.3.
Variant type: single nucleotide variant.
Coding change: c.-1251C>T on transcript NM_002386.3; 1251 bases upstream of the start codon, C replaced by T.
Genome position (GRCh38, 1-based): chr16:89,918,008, C>T. VCF-style: chr16-89918008-C-T. GRCh37 (hg19) VCF-style: chr16-89984416-C-T.
Identifiers: ClinVar variation 321383 (VCV000321383.7), dbSNP rs536447537, ClinGen allele CA10648413.

ClinVar aggregate classification (germline): Benign (1 of 4 stars; one submission).

Conditions:
Melanoma, cutaneous malignant, susceptibility to, 5. Also called: Cutaneous malignant melanoma 5. Identifiers: Orphanet 618, MedGen C2751295, MONDO:0013133, OMIM 613099.

Allele frequency attached by ClinVar (database versions not stated): 1000 Genomes Project 0.00060; gnomAD 0.00134 and 0.00145; TOPMed 0.00186; 1000 Genomes Project 30x 0.00047.

Submission:

Illumina Laboratory Services, Illumina
Classification: Benign for Melanoma, cutaneous malignant, susceptibility to, 5. Last evaluated: 2018-01-12. Review status: criteria provided, single submitter. Criteria: ICSL Variant Classification Criteria 13 December 2019. Collection method: clinical testing. Allele origin: germline.
Comment: This variant was observed in the ICSL laboratory as part of a predisposition screen in an ostensibly healthy population. It had not been previously curated by ICSL or reported in the Human Gene Mutation Database (HGMD: prior to June 1st, 2018), and was therefore a candidate for classification through an automated scoring system. Utilizing variant allele frequency, disease prevalence and penetrance estimates, and inheritance mode, an automated score was calculated to assess if this variant is too frequent to cause the disease. Based on the score and internal cut-off values, a variant classified as benign is not then subjected to further curation. The score for this variant resulted in a classification of benign for this disease.